The following is an entry in ClinVar:

ClinVar aggregate classification (germline): Uncertain significance (1 of 4 stars; one submission).

Conditions:
Hereditary cancer-predisposing syndrome. Also called: Neoplastic Syndromes, Hereditary; Tumor predisposition; Hereditary Cancer Syndrome; Hereditary neoplastic syndrome. Identifiers: Orphanet 140162, MedGen C0027672, MeSH D009386, MONDO:0015356.

Submission:

Ambry Genetics
Classification: Uncertain significance for Hereditary cancer-predisposing syndrome. Last evaluated: 2019-05-13. Review status: criteria provided, single submitter. Criteria: Ambry Variant Classification Scheme 2023. Collection method: clinical testing. Allele origin: germline.
Comment: The p.R341M variant (also known as c.1022G>T), located in coding exon 10 of the PMS2 gene, results from a G to T substitution at nucleotide position 1022. The arginine at codon 341 is replaced by methionine, an amino acid with similar properties. This amino acid position is highly conserved in available vertebrate species. In addition, this alteration is predicted to be deleterious by in silico analysis. Since supporting evidence is limited at this time, the clinical significance of this alteration remains unclear.

NM_000535.7(PMS2):c.1022G>T (p.Arg341Met)

Gene: PMS2 (PMS1 homolog 2, mismatch repair system component; minus strand). Cytogenetic location: 7p22.1.
Variant type: single nucleotide variant.
Coding change: c.1022G>T on transcript NM_000535.7 (MANE Select); coding-DNA position 1022, G replaced by T.
Protein change: p.Arg341Met; replaces arginine 341 with methionine.
Molecular consequence: missense variant. On other transcripts: non-coding transcript variant (1), intron variant (2).
Genome position (GRCh38, 1-based): chr7:5,989,922, C>A on the plus strand (G>T on the coding strand, the complement: PMS2 is on the minus strand). VCF-style: chr7-5989922-C-A. GRCh37 (hg19) VCF-style: chr7-6029553-C-A.
Other names: c.617G>T, p.Arg206Met (NM_001406890.1, NM_001406891.1, NM_001406892.1 and 17 more transcripts); c.704G>T, p.Arg235Met (NM_001322007.2, NM_001322008.2, NM_001406876.1 and 2 more transcripts); c.89G>T, p.Arg30Met (NM_001322011.2, NM_001322012.2); c.449G>T, p.Arg150Met (NM_001322013.2, NM_001406909.1); c.1022G>T, p.Arg341Met (NM_001322014.2, NM_001406871.1, NM_001406872.1); c.713G>T, p.Arg238Met (NM_001322015.2, NM_001406875.1, NM_001406877.1 and 5 more transcripts); c.1208G>T, p.Arg403Met (NM_001406866.1); c.1046G>T, p.Arg349Met (NM_001406868.1); and 9 more; short protein forms R30M, R403M, R275M, R285M, R150M, R206M, R235M, R238M.
Identifiers: ClinVar variation 1764345 (VCV001764345.2), dbSNP rs1554298800, ClinGen allele CA366742971.
Genomic context (GRCh38, chr7:5,989,922, plus strand): 5'-CCTATCAAAGAGGTCTTTAAAACTGCCAACAAAAGCTTTTCCTCTTGTAGCAAAATTTGC[C>A]TTTTATCTGGAGTAACATTGATATCAACGCATTCTAAGGCAAAAAAGAAAACATATTTAT-3'
Protein context (NP_000526.2, residues 331-351): CVDINVTPDK[Arg341Met]QILLQEEKLL